The following is an entry in ClinVar:

NM_003036.4(SKI):c.1690C>G (p.His564Asp)

Gene: SKI (SKI proto-oncogene; plus strand). Cytogenetic location: 1p36.32.
Variant type: single nucleotide variant.
Coding change: c.1690C>G on transcript NM_003036.4 (MANE Select); coding-DNA position 1690, C replaced by G.
Protein change: p.His564Asp; replaces histidine 564 with aspartic acid.
Molecular consequence: missense variant.
Genome position (GRCh38, 1-based): chr1:2,304,508, C>G. VCF-style: chr1-2304508-C-G. GRCh37 (hg19) VCF-style: chr1-2235947-C-G.
Other names: short protein forms H564D.
Identifiers: ClinVar variation 1001652 (VCV001001652.8), dbSNP rs1640518223, ClinGen allele CA337957743.
Genomic context (GRCh38, chr1:2,304,508, plus strand): 5'-CACCTGCGGCAGGCACTGGAGGGCGGCCTGGACACCAAGGAAGCCAAAGAGAAGTTCCTG[C>G]ATGAGGTGGTCAAGATGCGCGTGAAGCAGGAGGAGAAGCTCAGCGCAGCCCTGCAGGCCA-3'
Protein context (NP_003027.1, residues 554-574): DTKEAKEKFL[His564Asp]EVVKMRVKQE

ClinVar aggregate classification (germline): Uncertain significance (1 of 4 stars; one submission).

Conditions:
Shprintzen-Goldberg syndrome (SGS). Also called: SHPRINTZEN-GOLDBERG CRANIOSYNOSTOSIS SYNDROME; CRANIOSYNOSTOSIS WITH ARACHNODACTYLY AND ABDOMINAL HERNIAS; Marfanoid disorder with craniosynostosis type 1; Marfanoid craniosynostosis syndrome; Shprintzen-Goldberg marfanoid syndrome. Identifiers: Orphanet 2462, MedGen C1321551, MONDO:0008426, OMIM 182212.

Submission:

Labcorp Genetics (formerly Invitae), Labcorp
Classification: Uncertain significance for Shprintzen-Goldberg syndrome. Last evaluated: 2020-06-22. Review status: criteria provided, single submitter. Criteria: Invitae Variant Classification Sherloc (09022015). Collection method: clinical testing. Allele origin: germline.
Comment: In summary, the available evidence is currently insufficient to determine the role of this variant in disease. Therefore, it has been classified as a Variant of Uncertain Significance. Algorithms developed to predict the effect of missense changes on protein structure and function are either unavailable or do not agree on the potential impact of this missense change (SIFT: "Deleterious"; PolyPhen-2: "Probably Damaging"; Align-GVGD: "Class C0"). This variant has not been reported in the literature in individuals with SKI-related conditions. This variant is not present in population databases (ExAC no frequency). This sequence change replaces histidine with aspartic acid at codon 564 of the SKI protein (p.His564Asp). The histidine residue is moderately conserved and there is a moderate physicochemical difference between histidine and aspartic acid.